The following is an entry in ClinVar:

ClinVar aggregate classification (germline): Uncertain significance. Review status: criteria provided, multiple submitters, no conflicts (2 of 4 stars). 2 submissions from 2 submitters: Uncertain significance (2). Last evaluated 2025-04-19.

Conditions:
Familial cancer of breast. Also called: Hereditary breast cancer; hereditary breast carcinoma; BREAST CANCER, FAMILIAL. Identifiers: Orphanet 227535, MedGen C0346153, MONDO:0016419, OMIM 114480. Disease mechanism: loss of function.
Hereditary cancer-predisposing syndrome. Also called: Hereditary Cancer Syndrome; Tumor predisposition; Neoplastic Syndromes, Hereditary; Hereditary neoplastic syndrome. Identifiers: Orphanet 140162, MedGen C0027672, MeSH D009386, MONDO:0015356.

gnomAD v4.1: 1 of 1,613,770 alleles (0.000062%); highest among the groups gnomAD compares: Non-Finnish European, 0.000085%; no homozygotes.

Submissions (2):

Ambry Genetics
Classification: Uncertain significance for Hereditary cancer-predisposing syndrome. Last evaluated: 2025-04-19. Review status: criteria provided, single submitter. Criteria: Ambry Variant Classification Scheme 2023. Collection method: clinical testing. Allele origin: germline.
Comment: The p.D532G variant (also known as c.1595A>G), located in coding exon 7 of the BARD1 gene, results from an A to G substitution at nucleotide position 1595. The aspartic acid at codon 532 is replaced by glycine, an amino acid with similar properties. This amino acid position is conserved. In addition, this alteration is predicted to be deleterious by in silico analysis. Based on the available evidence, the clinical significance of this variant remains unclear.

Labcorp Genetics (formerly Invitae), Labcorp
Classification: Uncertain significance for Familial cancer of breast. Last evaluated: 2022-02-24. Review status: criteria provided, single submitter. Criteria: Invitae Variant Classification Sherloc (09022015). Collection method: clinical testing. Allele origin: germline.
Comment: In summary, the available evidence is currently insufficient to determine the role of this variant in disease. Therefore, it has been classified as a Variant of Uncertain Significance. Algorithms developed to predict the effect of missense changes on protein structure and function (SIFT, PolyPhen-2, Align-GVGD) all suggest that this variant is likely to be disruptive. This variant has not been reported in the literature in individuals affected with BARD1-related conditions. This variant is not present in population databases (gnomAD no frequency). This sequence change replaces aspartic acid, which is acidic and polar, with glycine, which is neutral and non-polar, at codon 532 of the BARD1 protein (p.Asp532Gly).

NM_000465.4(BARD1):c.1595A>G (p.Asp532Gly)

Gene: BARD1 (BRCA1 associated RING domain 1; minus strand). Cytogenetic location: 2q35.
Variant type: single nucleotide variant.
Coding change: c.1595A>G on transcript NM_000465.4 (MANE Select); coding-DNA position 1595, A replaced by G.
Protein change: p.Asp532Gly; replaces aspartic acid 532 with glycine.
Molecular consequence: missense variant. On other transcripts: non-coding transcript variant (3), intron variant (1).
Genome position (GRCh38, 1-based): chr2:214,752,529, T>C on the plus strand (A>G on the coding strand, the complement: BARD1 is on the minus strand). VCF-style: chr2-214752529-T-C. GRCh37 (hg19) VCF-style: chr2-215617253-T-C.
Other names: c.1538A>G, p.Asp513Gly (NM_001282543.2); c.242A>G, p.Asp81Gly (NM_001282545.2); c.185A>G, p.Asp62Gly (NM_001282548.2); c.365-22021A>G (NM_001282549.2); c.1595A>G (NM_000465.2); short protein forms D532G, D62G, D81G, D513G.
Identifiers: ClinVar variation 2102984 (VCV002102984.5), dbSNP rs2469378920, ClinGen allele CA350454968.